The following is an entry in ClinVar:

ClinVar aggregate classification (germline): Pathogenic (1 of 4 stars; one submission).

Submission:

Labcorp Genetics (formerly Invitae), Labcorp
Classification: Pathogenic. Last evaluated: 2022-06-26. Review status: criteria provided, single submitter. Criteria: Invitae Variant Classification Sherloc (09022015). Collection method: clinical testing. Allele origin: germline.
Comment: This sequence change creates a premature translational stop signal (p.Glu809Glyfs*10) in the NSD1 gene. It is expected to result in an absent or disrupted protein product. Loss-of-function variants in NSD1 are known to be pathogenic (PMID: 12464997, 14571271, 15942875, 16247291). This variant is not present in population databases (gnomAD no frequency). This variant has not been reported in the literature in individuals affected with NSD1-related conditions. For these reasons, this variant has been classified as Pathogenic.

Literature cited by the submitters: PubMed 12464997; PubMed 14571271; PubMed 15942875; PubMed 16247291.

NM_022455.5(NSD1):c.2425dup (p.Glu809fs)

Gene: NSD1 (nuclear receptor binding SET domain protein 1; plus strand). Cytogenetic location: 5q35.3.
Variant type: Duplication.
Coding change: c.2425dup on transcript NM_022455.5 (MANE Select); coding-DNA position 2425, one base duplicated (G; older notation c.2425dupG).
Protein change: p.Glu809fs; shifts the reading frame from glutamic acid 809.
Molecular consequence: frameshift variant.
Genome position (GRCh38, 1-based): chr5:177,210,824, G duplicated; the last of 2 consecutive G bases (chr5:177,210,823-177,210,824); duplicating either gives the same sequence. VCF-style (leftmost placement, unchanged base first): chr5-177210822-A-AG. GRCh37 (hg19) VCF-style: chr5-176637823-A-AG.
Other names: c.1552dup, p.Glu518Glyfs (NM_001365684.2, NM_001409306.1, NM_001409307.1 and 3 more transcripts); c.2425dup, p.Glu809Glyfs (NM_001409301.1, NM_001409302.1, NM_001409303.1); c.2005dup, p.Glu669Glyfs (NM_001409304.1); c.1672dup, p.Glu558Glyfs (NM_001409305.1); short protein forms E540fs, E809fs.
Identifiers: ClinVar variation 2011224 (VCV002011224.4), dbSNP rs2480454806, ClinGen allele CA2580074114.